The following is an entry in ClinVar:

NM_016614.3(TDP2):c.560C>A (p.Ser187Ter)

Gene: TDP2 (tyrosyl-DNA phosphodiesterase 2; minus strand). Cytogenetic location: 6p22.3.
Variant type: single nucleotide variant.
Coding change: c.560C>A on transcript NM_016614.3 (MANE Select); coding-DNA position 560, C replaced by A.
Protein change: p.Ser187Ter; replaces serine 187 with a stop codon.
Molecular consequence: nonsense.
Genome position (GRCh38, 1-based): chr6:24,654,488, G>T on the plus strand (C>A on the coding strand, the complement: TDP2 is on the minus strand). VCF-style: chr6-24654488-G-T. GRCh37 (hg19) VCF-style: chr6-24654716-G-T.
Other names: short protein forms S187*.
Identifiers: ClinVar variation 4852415 (VCV004852415.1).

ClinVar aggregate classification (germline): Likely pathogenic (1 of 4 stars; one submission).

Conditions:
Spinocerebellar ataxia, autosomal recessive 23. Also called: Autosomal recessive cerebellar ataxia - epilepsy - intellectual disability syndrome due to TUD deficiency. Identifiers: Orphanet 404493, MedGen C4750914, MONDO:0014846, OMIM 616949.

Submission:

Department of Genetics, Sultan Qaboos University Hospital
Classification: Likely pathogenic for Spinocerebellar ataxia, autosomal recessive 23. Last evaluated: 2026-04-01. Review status: criteria provided, single submitter. Criteria: ACMG Guidelines, 2015. Collection method: clinical testing. Allele origin: germline. Affected: yes. Observed: 1 variant allele.
Comment: PVS1, PM2_Supporting